The following is an entry in ClinVar:

ClinVar aggregate classification (germline): Uncertain significance (1 of 4 stars; one submission).

Allele frequency attached by ClinVar (database versions not stated): gnomAD exomes below 0.00001.
gnomAD v4.1: 1 of 1,613,196 alleles (0.000062%); highest among the groups gnomAD compares: Non-Finnish European, 0.000085%; no homozygotes.

Submission:

Labcorp Genetics (formerly Invitae), Labcorp
Classification: Uncertain significance. Last evaluated: 2019-12-24. Review status: criteria provided, single submitter. Criteria: Invitae Variant Classification Sherloc (09022015). Collection method: clinical testing. Allele origin: germline.
Comment: This variant is not present in population databases (ExAC no frequency). This variant has not been reported in the literature in individuals with PDZD7-related conditions. This sequence change falls in intron 8 of the PDZD7 gene. It does not directly change the encoded amino acid sequence of the PDZD7 protein, but it affects a nucleotide within the consensus splice site of the intron. Nucleotide substitutions within the consensus splice site are a relatively common cause of aberrant splicing (PMID: 17576681, 9536098). Algorithms developed to predict the effect of sequence changes on RNA splicing suggest that this variant is not likely to affect RNA splicing, but this prediction has not been confirmed by published transcriptional studies. In summary, the available evidence is currently insufficient to determine the role of this variant in disease. Therefore, it has been classified as a Variant of Uncertain Significance.

Literature cited by the submitters: PubMed 17576681; PubMed 9536098.

NM_001195263.2(PDZD7):c.1325-3C>T

Gene: PDZD7 (PDZ domain containing 7; minus strand). Cytogenetic location: 10q24.31.
Variant type: single nucleotide variant.
Coding change: c.1325-3C>T on transcript NM_001195263.2 (MANE Select); 3 bases into the intron before coding-DNA position 1325, C replaced by T.
Molecular consequence: intron variant. On other transcripts: synonymous variant (1).
Genome position (GRCh38, 1-based): chr10:101,018,299, G>A on the plus strand (C>T on the coding strand, the complement: PDZD7 is on the minus strand). VCF-style: chr10-101018299-G-A. GRCh37 (hg19) VCF-style: chr10-102778056-G-A.
Other names: c.1350C>T, p.Cys450= (NM_001351044.2); c.1325-3C>T (NM_024895.5).
Identifiers: ClinVar variation 838331 (VCV000838331.8), dbSNP rs1852829459, ClinGen allele CA916083106.
Genomic context (GRCh38, chr10:101,018,299, plus strand): 5'-AGGGCACCCTTCTCCCCAGGGGACCCCGACTTCTCCTTCTTCCGCTGCTGCTTCTCCTCT[G>A]CAGACACGAGGGAGCAACGGGGGAGCTGGAGGGGTGGGCAGAAGGGAAGGACGAGGGGCA-3'